The following is an entry in ClinVar:

NM_004329.3(BMPR1A):c.967T>G (p.Cys323Gly)

Gene: BMPR1A (bone morphogenetic protein receptor type 1A; plus strand). Cytogenetic location: 10q23.2.
Variant type: single nucleotide variant.
Coding change: c.967T>G on transcript NM_004329.3 (MANE Select); coding-DNA position 967, T replaced by G.
Protein change: p.Cys323Gly; replaces cysteine 323 with glycine.
Molecular consequence: missense variant.
Genome position (GRCh38, 1-based): chr10:86,919,270, T>G. VCF-style: chr10-86919270-T-G. GRCh37 (hg19) VCF-style: chr10-88679027-T-G.
Other names: short protein forms C323G.
Identifiers: ClinVar variation 1489772 (VCV001489772.8), dbSNP rs876660750, ClinGen allele CA377460305.

ClinVar aggregate classification (germline): Uncertain significance. Review status: criteria provided, multiple submitters, no conflicts (2 of 4 stars). 2 submissions from 2 submitters: Uncertain significance (2). Last evaluated 2024-05-15.

Conditions:
Hereditary cancer-predisposing syndrome. Also called: Neoplastic Syndromes, Hereditary; Tumor predisposition; Hereditary neoplastic syndrome; Hereditary Cancer Syndrome. Identifiers: Orphanet 140162, MedGen C0027672, MeSH D009386, MONDO:0015356.
Juvenile polyposis syndrome (JPS). Identifiers: Orphanet 2929, MedGen C0345893, MONDO:0017380, OMIM 174900.

Submissions (2):

Labcorp Genetics (formerly Invitae), Labcorp
Classification: Uncertain significance for Juvenile polyposis syndrome. Last evaluated: 2024-05-15. Review status: criteria provided, single submitter. Criteria: Invitae Variant Classification Sherloc (09022015). Collection method: clinical testing. Allele origin: germline.
Comment: This sequence change replaces cysteine, which is neutral and slightly polar, with glycine, which is neutral and non-polar, at codon 323 of the BMPR1A protein (p.Cys323Gly). This variant is not present in population databases (gnomAD no frequency). This variant has not been reported in the literature in individuals affected with BMPR1A-related conditions. ClinVar contains an entry for this variant (Variation ID: 1489772). Advanced modeling of protein sequence and biophysical properties (such as structural, functional, and spatial information, amino acid conservation, physicochemical variation, residue mobility, and thermodynamic stability) performed at Invitae indicates that this missense variant is not expected to disrupt BMPR1A protein function with a negative predictive value of 80%. Studies have shown that this missense change is associated with inconclusive levels of altered splicing (Invitae). In summary, the available evidence is currently insufficient to determine the role of this variant in disease. Therefore, it has been classified as a Variant of Uncertain Significance.

Ambry Genetics
Classification: Uncertain significance for Hereditary cancer-predisposing syndrome. Last evaluated: 2020-05-26. Review status: criteria provided, single submitter. Criteria: Ambry Variant Classification Scheme 2023. Collection method: clinical testing. Allele origin: germline.
Comment: The p.C323G variant (also known as c.967T>G), located in coding exon 8 of the BMPR1A gene, results from a T to G substitution at nucleotide position 967. The cysteine at codon 323 is replaced by glycine, an amino acid with highly dissimilar properties. This amino acid position is not well conserved in available vertebrate species. In addition, the in silico prediction for this alteration is inconclusive. Since supporting evidence is limited at this time, the clinical significance of this alteration remains unclear.